The following is an entry in ClinVar:

NM_031844.3(HNRNPU):c.470G>A (p.Gly157Glu)

Gene: HNRNPU (heterogeneous nuclear ribonucleoprotein U; minus strand). Cytogenetic location: 1q44.
Variant type: single nucleotide variant.
Coding change: c.470G>A on transcript NM_031844.3 (MANE Select); coding-DNA position 470, G replaced by A.
Protein change: p.Gly157Glu; replaces glycine 157 with glutamic acid.
Molecular consequence: missense variant.
Genome position (GRCh38, 1-based): chr1:244,863,838, C>T on the plus strand (G>A on the coding strand, the complement: HNRNPU is on the minus strand). VCF-style: chr1-244863838-C-T. GRCh37 (hg19) VCF-style: chr1-245027140-C-T.
Other names: c.470G>A, p.Gly157Glu (NM_004501.3); short protein forms G157E.
Identifiers: ClinVar variation 931451 (VCV000931451.4), dbSNP rs1195258707, ClinGen allele CA345496952.
Genomic context (GRCh38, chr1:244,863,838, plus strand): 5'-CGCTGCTGTTGGGGCTGTTGCTGCTGCGTCGCCGGCGGTTGAGGCTGCTGCTCCCCGTGC[C>T]CGTTCTCGTCGCCCGCGCCTTCCTCTTCGTCCCCGAGCTCATCTTCCCCTTCCTGGAAAC-3'
Protein context (NP_114032.2, residues 147-167): DEEEGAGDEN[Gly157Glu]HGEQQPQPPA

ClinVar aggregate classification (germline): Uncertain significance. Review status: criteria provided, multiple submitters, no conflicts (2 of 4 stars). 2 submissions from 2 submitters: Uncertain significance (2). Last evaluated 2025-04-18.

Conditions:
Developmental and epileptic encephalopathy, 54. Also called: Epileptic encephalopathy, early infantile, 54; HNRNPU-Related Neurodevelopmental Disorder. Identifiers: MedGen C4479319, MONDO:0033363, OMIM 617391.
Inborn genetic diseases. Identifiers: MedGen C0950123, MeSH D030342.

Submissions (2):

Ambry Genetics
Classification: Uncertain significance for Inborn genetic diseases. Last evaluated: 2025-04-18. Review status: criteria provided, single submitter. Criteria: Ambry Variant Classification Scheme 2023. Collection method: clinical testing. Allele origin: germline.

Centre for Mendelian Genomics, University Medical Centre Ljubljana
Classification: Uncertain significance for Developmental and epileptic encephalopathy, 54. Last evaluated: 2016-01-01. Review status: criteria provided, single submitter. Criteria: ACMG Guidelines, 2015. Collection method: clinical testing. Allele origin: unknown. Affected: yes.
Comment: This variant was classified as: Uncertain significance. The following ACMG criteria were applied in classifying this variant: PM2,PP4.